The following is an entry in ClinVar:

ClinVar aggregate classification (germline): Pathogenic. Review status: criteria provided, single submitter (1 of 4 stars). 2 submissions from 2 submitters: Pathogenic (1). 1 of the submissions does not count toward it. Last evaluated 2023-11-21.

Allele frequency attached by ClinVar (database versions not stated): gnomAD exomes below 0.00001.
gnomAD v4.1: 1 of 1,614,168 alleles (0.000062%); highest among the groups gnomAD compares: South Asian, 0.0011%; no homozygotes.

Submissions (2):

GeneDx
Classification: Pathogenic. Last evaluated: 2023-11-21. Review status: criteria provided, single submitter. Criteria: GeneDx Variant Classification Process June 2021. Collection method: clinical testing. Allele origin: germline. Affected: yes.
Comment: Observed with a pathogenic variant on the opposite allele (in trans) in a patient with type 2 von Willebrand disease in the published literature (PMID: 10807780, 9198195); Published functional studies demonstrate a damaging effect (PMID: 10807780); Not observed at significant frequency in large population cohorts (gnomAD); In silico analysis supports that this missense variant has a deleterious effect on protein structure/function; Also reported using alternate nomenclature p.(Cys25Tyr); This variant is associated with the following publications: (PMID: 21371195, 11686103, 15213842, 10807780, 9198195)

Academic Unit of Haematology, University of Sheffield
No classification provided. Review status: no classification provided. Collection method: not provided. Allele origin: not provided. Not counted in ClinVar's aggregate classification.

NM_000552.5(VWF):c.2363G>A (p.Cys788Tyr)

Gene: VWF (von Willebrand factor; minus strand). Cytogenetic location: 12p13.31.
Variant type: single nucleotide variant.
Coding change: c.2363G>A on transcript NM_000552.5 (MANE Select); coding-DNA position 2363, G replaced by A.
Protein change: p.Cys788Tyr; replaces cysteine 788 with tyrosine.
Molecular consequence: missense variant.
Genome position (GRCh38, 1-based): chr12:6,044,370, C>T on the plus strand (G>A on the coding strand, the complement: VWF is on the minus strand). VCF-style: chr12-6044370-C-T. GRCh37 (hg19) VCF-style: chr12-6153536-C-T.
Other names: c.2363G>A (NM_000552.3); short protein forms C788Y.
Identifiers: ClinVar variation 100217 (VCV000100217.2), dbSNP rs61748476, ClinGen allele CA228334.